The following is an entry in ClinVar:

NM_006648.4(WNK2):c.3223A>G (p.Thr1075Ala)

Gene: WNK2 (WNK lysine deficient protein kinase 2; plus strand). Cytogenetic location: 9q22.31.
Variant type: single nucleotide variant.
Coding change: c.3223A>G on transcript NM_006648.4 (MANE Select); coding-DNA position 3223, A replaced by G.
Protein change: p.Thr1075Ala; replaces threonine 1075 with alanine.
Molecular consequence: missense variant.
Genome position (GRCh38, 1-based): chr9:93,261,970, A>G. VCF-style: chr9-93261970-A-G. GRCh37 (hg19) VCF-style: chr9-96024252-A-G.
Other names: c.3223A>G, p.Thr1075Ala (NM_001282394.3); short protein forms T1075A.
Identifiers: ClinVar variation 4201752 (VCV004201752.1).

ClinVar aggregate classification (germline): Uncertain significance (1 of 4 stars; one submission).

gnomAD v4.1: 1 of 1,611,884 alleles (0.000062%); highest among the groups gnomAD compares: Non-Finnish European, 0.000085%; no homozygotes.

Submission:

Ambry Genetics
Classification: Uncertain significance. Last evaluated: 2025-08-14. Review status: criteria provided, single submitter. Criteria: Ambry Variant Classification Scheme 2023. Collection method: clinical testing. Allele origin: germline.
Comment: The p.T1075A variant (also known as c.3223A>G), located in coding exon 12 of the WNK2 gene, results from an A to G substitution at nucleotide position 3223. The threonine at codon 1075 is replaced by alanine, an amino acid with similar properties. This amino acid position is conserved. In addition, this alteration is predicted to be tolerated by in silico analysis. Based on the available evidence, the clinical significance of this variant remains unclear.